The following is an entry in ClinVar:

ClinVar aggregate classification (germline): Likely benign (1 of 4 stars; one submission).

Allele frequency attached by ClinVar (database versions not stated): gnomAD 0.00001; gnomAD exomes 0.00001; TOPMed 0.00002; ExAC 0.00005.

Submission:

CeGaT Center for Human Genetics Tuebingen
Classification: Likely benign. Last evaluated: 2022-05-01. Review status: criteria provided, single submitter. Criteria: CeGaT Center For Human Genetics Tuebingen Variant Classification Criteria Version 2. Collection method: clinical testing. Allele origin: germline. Affected: yes. Observed: 1 variant allele.
Comment: TCOF1: BP4, BP7

NM_001371623.1(TCOF1):c.78G>A (p.Ala26=)

Genes: TCOF1 (treacle ribosome biogenesis factor 1; plus strand), LOC129994985 (ATAC-STARR-seq lymphoblastoid silent region 16507; plus strand). Cytogenetic location: 5q32.
Variant type: single nucleotide variant.
Coding change: c.78G>A on transcript NM_001371623.1 (MANE Select); coding-DNA position 78, G replaced by A.
Protein change: p.Ala26=; no amino-acid change (alanine 26 retained).
Molecular consequence: synonymous variant.
Genome position (GRCh38, 1-based): chr5:150,357,824, G>A. VCF-style: chr5-150357824-G-A. GRCh37 (hg19) VCF-style: chr5-149737387-G-A.
Other names: c.78G>A, p.Ala26= (NM_000356.4, NM_001008657.3, NM_001135243.2 and 3 more transcripts).
Identifiers: ClinVar variation 2655924 (VCV002655924.24), dbSNP rs755367847, ClinGen allele CA3510450.